The following is an entry in ClinVar:

NM_001873.4(CPE):c.870G>A (p.Pro290=)

Gene: CPE (carboxypeptidase E; plus strand). Cytogenetic location: 4q32.3.
Variant type: single nucleotide variant.
Coding change: c.870G>A on transcript NM_001873.4 (MANE Select); coding-DNA position 870, G replaced by A.
Protein change: p.Pro290=; no amino-acid change (proline 290 retained).
Molecular consequence: synonymous variant.
Genome position (GRCh38, 1-based): chr4:165,484,501, G>A. VCF-style: chr4-165484501-G-A. GRCh37 (hg19) VCF-style: chr4-166405653-G-A.
Identifiers: ClinVar variation 3353172 (VCV003353172.1).
Genomic context (GRCh38, chr4:165,484,501, plus strand): 5'-CTCCTCCCCAGATGACGCCATTTTCCAAAGCTTGGCCCGGGCATACTCTTCTTTCAACCC[G>A]GCCATGTCTGACCCCAATCGGCCACCATGTCGCAAGAATGATGATGACAGCAGCTTTGTA-3'
Protein context (NP_001864.1, residues 280-300): SLARAYSSFN[Pro290=]AMSDPNRPPC

ClinVar aggregate classification (germline): Likely benign (0 of 4 stars; one submission).

Conditions:
CPE-related disorder. Also called: CPE-related condition.

gnomAD v4.1: 68 of 1,613,812 alleles (0.0042%); highest among the groups gnomAD compares: East Asian, 0.027%; no homozygotes.

Submission:

PreventionGenetics, part of Exact Sciences
Classification: Likely benign for CPE-related condition. Last evaluated: 2024-08-05. Review status: no assertion criteria provided. Collection method: clinical testing. Allele origin: germline.
Comment: This variant is classified as likely benign based on ACMG/AMP sequence variant interpretation guidelines (Richards et al. 2015 PMID: 25741868, with internal and published modifications).